The following is an entry in ClinVar:

NM_003738.5(PTCH2):c.335C>T (p.Ser112Phe)

Gene: PTCH2 (patched 2; minus strand). Cytogenetic location: 1p34.1.
Variant type: single nucleotide variant.
Coding change: c.335C>T on transcript NM_003738.5 (MANE Select); coding-DNA position 335, C replaced by T.
Protein change: p.Ser112Phe; replaces serine 112 with phenylalanine.
Molecular consequence: missense variant.
Genome position (GRCh38, 1-based): chr1:44,832,272, G>A on the plus strand (C>T on the coding strand, the complement: PTCH2 is on the minus strand). VCF-style: chr1-44832272-G-A. GRCh37 (hg19) VCF-style: chr1-45297944-G-A.
Other names: c.335C>T, p.Ser112Phe (NM_001166292.2); short protein forms S112F.
Identifiers: ClinVar variation 2043215 (VCV002043215.4), dbSNP rs780551626, ClinGen allele CA823665.

ClinVar aggregate classification (germline): Uncertain significance (1 of 4 stars; one submission).

Conditions:
Gorlin syndrome. Also called: Basal cell nevus syndrome; Nevoid Basal Cell Carcinoma Syndrome. Identifiers: Orphanet 377, MedGen C0004779, MONDO:0007187.

Allele frequency attached by ClinVar (database versions not stated): ExAC 0.00001; gnomAD exomes 0.00002.
gnomAD v4.1: 9 of 1,614,232 alleles (0.00056%); highest among the groups gnomAD compares: East Asian, 0.02%; no homozygotes.

Submission:

Labcorp Genetics (formerly Invitae), Labcorp
Classification: Uncertain significance for Gorlin syndrome. Last evaluated: 2022-06-23. Review status: criteria provided, single submitter. Criteria: Invitae Variant Classification Sherloc (09022015). Collection method: clinical testing. Allele origin: germline.
Comment: This sequence change replaces serine, which is neutral and polar, with phenylalanine, which is neutral and non-polar, at codon 112 of the PTCH2 protein (p.Ser112Phe). In summary, the available evidence is currently insufficient to determine the role of this variant in disease. Therefore, it has been classified as a Variant of Uncertain Significance. Algorithms developed to predict the effect of missense changes on protein structure and function (SIFT, PolyPhen-2, Align-GVGD) all suggest that this variant is likely to be tolerated. This variant has not been reported in the literature in individuals affected with PTCH2-related conditions. This variant is present in population databases (rs780551626, gnomAD 0.01%).